The following is an entry in ClinVar:

ClinVar aggregate classification (germline): Uncertain significance (1 of 4 stars; one submission).

Conditions:
Fanconi anemia (FA). Also called: Fanconi's anemia. Identifiers: Orphanet 84, MedGen C0015625, MeSH D005199, MONDO:0019391.

gnomAD v4.1: 2 of 1,614,226 alleles (0.00012%); highest among the groups gnomAD compares: Admixed American, 0.0033%; no homozygotes.

Submission:

Labcorp Genetics (formerly Invitae), Labcorp
Classification: Uncertain significance for Fanconi anemia. Last evaluated: 2021-09-24. Review status: criteria provided, single submitter. Criteria: Invitae Variant Classification Sherloc (09022015). Collection method: clinical testing. Allele origin: germline.
Comment: This sequence change replaces proline with glutamine at codon 1411 of the FANCA protein (p.Pro1411Gln). The proline residue is highly conserved and there is a moderate physicochemical difference between proline and glutamine. This variant is not present in population databases (ExAC no frequency). This variant has not been reported in the literature in individuals affected with FANCA-related conditions. Advanced modeling of protein sequence and biophysical properties (such as structural, functional, and spatial information, amino acid conservation, physicochemical variation, residue mobility, and thermodynamic stability) performed at Invitae indicates that this missense variant is not expected to disrupt FANCA protein function. Algorithms developed to predict the effect of sequence changes on RNA splicing suggest that this variant may create or strengthen a splice site. In summary, the available evidence is currently insufficient to determine the role of this variant in disease. Therefore, it has been classified as a Variant of Uncertain Significance.

NM_000135.4(FANCA):c.4232C>A (p.Pro1411Gln)

Genes: FANCA (FA complementation group A; minus strand), ZNF276 (zinc finger protein 276; plus strand). Cytogenetic location: 16q24.3.
Variant type: single nucleotide variant.
Coding change: c.4232C>A on transcript NM_000135.4 (MANE Select); coding-DNA position 4232, C replaced by A.
Protein change: p.Pro1411Gln; replaces proline 1411 with glutamine.
Molecular consequence: missense variant. On other transcripts: synonymous variant (1), 3 prime UTR variant (2), non-coding transcript variant (4).
Genome position (GRCh38, 1-based): chr16:89,738,910, G>T on the plus strand (C>A on the coding strand, the complement: FANCA is on the minus strand). VCF-style: chr16-89738910-G-T. GRCh37 (hg19) VCF-style: chr16-89805318-G-T.
Other names: c.4236C>A, p.Pro1412= (NM_001286167.3); c.*664G>T (NM_001113525.2, NM_152287.4); short protein forms P1411Q.
Identifiers: ClinVar variation 1476772 (VCV001476772.5), dbSNP rs201494304, ClinGen allele CA397483325.